The following is an entry in ClinVar:

ClinVar aggregate classification (germline): Uncertain significance (1 of 4 stars; one submission).

Conditions:
Alstrom syndrome (ALMS). Identifiers: Orphanet 64, MedGen C0268425, MONDO:0008763, OMIM 203800.

Allele frequency attached by ClinVar (database versions not stated): TOPMed below 0.00001.

Submission:

Labcorp Genetics (formerly Invitae), Labcorp
Classification: Uncertain significance for Alstrom syndrome. Last evaluated: 2022-02-05. Review status: criteria provided, single submitter. Criteria: Invitae Variant Classification Sherloc (09022015). Collection method: clinical testing. Allele origin: germline.
Comment: This sequence change replaces valine, which is neutral and non-polar, with alanine, which is neutral and non-polar, at codon 2245 of the ALMS1 protein (p.Val2245Ala). This variant is not present in population databases (gnomAD no frequency). This variant has not been reported in the literature in individuals affected with ALMS1-related conditions. Experimental studies and prediction algorithms are not available or were not evaluated, and the functional significance of this variant is currently unknown. In summary, the available evidence is currently insufficient to determine the role of this variant in disease. Therefore, it has been classified as a Variant of Uncertain Significance.

NM_001378454.1(ALMS1):c.6731T>C (p.Val2244Ala)

Gene: ALMS1 (ALMS1 centrosome and basal body associated protein; plus strand). Cytogenetic location: 2p13.1.
Variant type: single nucleotide variant.
Coding change: c.6731T>C on transcript NM_001378454.1 (MANE Select); coding-DNA position 6731, T replaced by C.
Protein change: p.Val2244Ala; replaces valine 2244 with alanine.
Molecular consequence: missense variant.
Genome position (GRCh38, 1-based): chr2:73,453,258, T>C. VCF-style: chr2-73453258-T-C. GRCh37 (hg19) VCF-style: chr2-73680385-T-C.
Other names: c.6734T>C, p.Val2245Ala (NM_015120.4); short protein forms V2245A, V2244A.
Identifiers: ClinVar variation 1438135 (VCV001438135.6), dbSNP rs1671987655, ClinGen allele CA347289175.